The following is an entry in ClinVar:

ClinVar aggregate classification (germline): Conflicting classifications of pathogenicity. Review status: criteria provided, conflicting classifications (1 of 4 stars). 2 submissions from 2 submitters: Likely pathogenic (1); Uncertain significance (1). Last evaluated 2024-05-30.

Conditions:
Gastrointestinal stromal tumor. Also called: Gastrointestinal stroma tumor; Gastrointestinal stromal tumor, somatic. Identifiers: Orphanet 44890, MedGen C0238198, MeSH D046152, MONDO:0011719, OMIM 606764, HP:0100723.
Pheochromocytoma/paraganglioma syndrome 4. Also called: CAROTID BODY TUMORS AND MULTIPLE EXTRAADRENAL PHEOCHROMOCYTOMAS; SDHB-Related Hereditary Paraganglioma-Pheochromocytoma Syndrome; PARAGANGLIOMA, FAMILIAL MALIGNANT; PARAGANGLIOMAS, HEREDITARY EXTRAADRENAL; PHEOCHROMOCYTOMA, FAMILIAL EXTRAADRENAL; Paragangliomas 4. Identifiers: Orphanet 29072, MedGen C1861848, MONDO:0007273, OMIM 115310.
Pheochromocytoma. Also called: MAX-Related Hereditary Paraganglioma-Pheochromocytoma Syndrome. Identifiers: Orphanet 29072, MedGen C0031511, MONDO:0008233, OMIM 171300, HP:0002666.
Hereditary pheochromocytoma and paraganglioma. Also called: Hereditary pheochromocytoma-paraganglioma; Hereditary paragangliomas and pheochromocytomas; Hereditary Paraganglioma-Pheochromocytoma Syndromes. Identifiers: Orphanet 29072, MedGen C4274332, MONDO:0017366.

Submissions (2):

All of Us Research Program, National Institutes of Health
Classification: Uncertain significance for Hereditary pheochromocytoma and paraganglioma. Last evaluated: 2024-05-30. Review status: criteria provided, single submitter. Criteria: ACMG Guidelines, 2015. Collection method: clinical testing. Allele origin: germline. Inheritance: Autosomal dominant inheritance. Observed: 1 variant allele, 1 heterozygote.
Comment: This missense variant replaces glycine with cysteine at codon 96 of the SDHB protein. Computational prediction suggests that this variant may have deleterious impact on protein structure and function. To our knowledge, functional studies have not been reported for this variant. This variant has not been reported in individuals affected with SDHB-related disorders in the literature. However another variant at this position (SDHB c.286G>A p.Gly96Ser) has been observed in individuals affected with paraganlioma and is reported as disease causing (ClinVar Variation ID: 142111). This variant has not been identified in the general population by the Genome Aggregation Database (gnomAD). The available evidence is insufficient to determine the role of this variant in disease conclusively. Therefore, this variant is classified as a Variant of Uncertain Significance.

This study involves interpretation of variants in research participants for the purpose of population health screening. Participant phenotype was not available at the time of variant classification. Additional details can be found in publication PMID: 35346344, PMCID: PMC8962531

Labcorp Genetics (formerly Invitae), Labcorp
Classification: Likely pathogenic for Gastrointestinal stromal tumor; Pheochromocytoma/paraganglioma syndrome 4; Pheochromocytoma. Last evaluated: 2022-08-16. Review status: criteria provided, single submitter. Criteria: Invitae Variant Classification Sherloc (09022015). Collection method: clinical testing. Allele origin: germline.
Comment: This sequence change replaces glycine, which is neutral and non-polar, with cysteine, which is neutral and slightly polar, at codon 96 of the SDHB protein (p.Gly96Cys). This variant also falls at the last nucleotide of exon 3, which is part of the consensus splice site for this exon. This variant is not present in population databases (gnomAD no frequency). This variant has not been reported in the literature in individuals affected with SDHB-related conditions. ClinVar contains an entry for this variant (Variation ID: 1474531). Algorithms developed to predict the effect of missense changes on protein structure and function (SIFT, PolyPhen-2, Align-GVGD) all suggest that this variant is likely to be disruptive. Variants that disrupt the consensus splice site are a relatively common cause of aberrant splicing (PMID: 17576681, 9536098). Algorithms developed to predict the effect of sequence changes on RNA splicing suggest that this variant may disrupt the consensus splice site. This variant disrupts the c.286G nucleotide in the SDHB gene. Other variant(s) that disrupt this nucleotide have been determined to be pathogenic (PMID: 2308387, 19802898, 24436918, 28374168, 29386252). This suggests that this nucleotide is clinically significant, and that variants that disrupt this position are likely to be disease-causing. In summary, the currently available evidence indicates that the variant is pathogenic, but additional data are needed to prove that conclusively. Therefore, this variant has been classified as Likely Pathogenic.

Literature cited by the submitters: PubMed 17576681 (cited by Labcorp Genetics (formerly Invitae), Labcorp); PubMed 9536098 (cited by Labcorp Genetics (formerly Invitae), Labcorp); PubMed 2308387 (cited by Labcorp Genetics (formerly Invitae), Labcorp); PubMed 19802898 (cited by Labcorp Genetics (formerly Invitae), Labcorp); PubMed 24436918 (cited by Labcorp Genetics (formerly Invitae), Labcorp); PubMed 28374168 (cited by Labcorp Genetics (formerly Invitae), Labcorp); PubMed 29386252 (cited by Labcorp Genetics (formerly Invitae), Labcorp).

NM_003000.3(SDHB):c.286G>T (p.Gly96Cys)

Gene: SDHB (succinate dehydrogenase complex iron sulfur subunit B; minus strand). Cytogenetic location: 1p36.13.
Variant type: single nucleotide variant.
Coding change: c.286G>T on transcript NM_003000.3 (MANE Select); coding-DNA position 286, G replaced by T.
Protein change: p.Gly96Cys; replaces glycine 96 with cysteine.
Molecular consequence: missense variant.
Genome position (GRCh38, 1-based): chr1:17,033,060, C>A on the plus strand (G>T on the coding strand, the complement: SDHB is on the minus strand). VCF-style: chr1-17033060-C-A. GRCh37 (hg19) VCF-style: chr1-17359555-C-A.
Other names: short protein forms G96C.
Identifiers: ClinVar variation 1474531 (VCV001474531.9), dbSNP rs587782243, ClinGen allele CA338276378.